The following is an entry in ClinVar:

NM_005204.4(MAP3K8):c.1258C>T (p.Pro420Ser)

Gene: MAP3K8 (mitogen-activated protein kinase kinase kinase 8; plus strand). Cytogenetic location: 10p11.23.
Variant type: single nucleotide variant.
Coding change: c.1258C>T on transcript NM_005204.4 (MANE Select); coding-DNA position 1258, C replaced by T.
Protein change: p.Pro420Ser; replaces proline 420 with serine.
Molecular consequence: missense variant.
Genome position (GRCh38, 1-based): chr10:30,459,486, C>T. VCF-style: chr10-30459486-C-T. GRCh37 (hg19) VCF-style: chr10-30748415-C-T.
Other names: c.1258C>T, p.Pro420Ser (NM_001244134.1, NM_001320961.2); short protein forms P420S.
Identifiers: ClinVar variation 1378197 (VCV001378197.8), dbSNP rs764390598, ClinGen allele CA205304395.
Genomic context (GRCh38, chr10:30,459,486, plus strand): 5'-AGTCTGGACTCTGCCCTCTTGGAGCGCAAGAGGCTGCTGAGTAGGAAGGAGCTGGAACTT[C>T]CTGAGAACATTGCTGGTAGGGACACCCTGCTGTGTGCCGCACACTTACTTCCCTTCTCTT-3'
Protein context (NP_005195.2, residues 410-430): RLLSRKELEL[Pro420Ser]ENIADSSCTG

ClinVar aggregate classification (germline): Uncertain significance (1 of 4 stars; one submission).

Submission:

Labcorp Genetics (formerly Invitae), Labcorp
Classification: Uncertain significance. Last evaluated: 2021-06-22. Review status: criteria provided, single submitter. Criteria: Invitae Variant Classification Sherloc (09022015). Collection method: clinical testing. Allele origin: germline.
Comment: In summary, the available evidence is currently insufficient to determine the role of this variant in disease. Therefore, it has been classified as a Variant of Uncertain Significance. Algorithms developed to predict the effect of missense changes on protein structure and function (SIFT, PolyPhen-2, Align-GVGD) all suggest that this variant is likely to be tolerated, but these predictions have not been confirmed by published functional studies and their clinical significance is uncertain. This variant has not been reported in the literature in individuals with MAP3K8-related conditions. This variant is not present in population databases (ExAC no frequency). This sequence change replaces proline with serine at codon 420 of the MAP3K8 protein (p.Pro420Ser). The proline residue is moderately conserved and there is a moderate physicochemical difference between proline and serine.